The following is an entry in ClinVar:

Single allele

Genes: ANKRD34A (ankyrin repeat domain 34A; minus strand), ANKRD35 (ankyrin repeat domain 35; minus strand), CD160 (CD160 molecule; plus strand), GPR89A (G protein-coupled receptor 89A; plus strand), HJV (hemojuvelin BMP co-receptor; minus strand) and 11 more. Cytogenetic location: 1q21.1.
Variant type: Deletion.
Identifiers: ClinVar variation 3062018 (VCV003062018.1).

ClinVar aggregate classification (germline): Pathogenic (1 of 4 stars; one submission).

Submission:

Illumina Laboratory Services, Illumina
Classification: Pathogenic. Last evaluated: 2021-04-28. Review status: criteria provided, single submitter. Criteria: ICSLVariantClassificationCriteria RUGD 01 April 2020. Collection method: clinical testing. Allele origin: unknown.
Comment: This CNV is a 449 kb deletion of 1q21.1 on chromosome 1 (seq[GRCh37]del(1)(q21.1); chr1:g.145382448_145831727del) that is inherited. The exact break points of this event could not be resolved due to the presence of low complexity sequences both centromeric and telomeric to this event. This CNV constitutes a loss encompassing at least 17 genes, including RBM8A, and overlaps with deletions reported in at least 50 probands with TAR syndrome (Klopocki et al. 2007; Albers et al. 2012). Based on the evidence, this CNV is classified as pathogenic for TAR syndrome.